The following is an entry in ClinVar:

NM_001378454.1(ALMS1):c.8790dup (p.Glu2931Ter)

Gene: ALMS1 (ALMS1 centrosome and basal body associated protein; plus strand). Cytogenetic location: 2p13.1.
Variant type: Duplication.
Coding change: c.8790dup on transcript NM_001378454.1 (MANE Select); coding-DNA position 8790, one base duplicated (T; older notation c.8790dupT).
Protein change: p.Glu2931Ter; replaces glutamic acid 2931 with a stop codon.
Molecular consequence: nonsense.
Genome position (GRCh38, 1-based): chr2:73,490,749, T duplicated; the last of 3 consecutive T bases (chr2:73,490,747-73,490,749); duplicating any one gives the same sequence. VCF-style (leftmost placement, unchanged base first): chr2-73490746-C-CT. GRCh37 (hg19) VCF-style: chr2-73717873-C-CT.
Other names: c.8793dupT (NM_015120.4); c.8793dup, p.Glu2932Ter (NM_015120.4); short protein forms E2932*, E2931*.
Identifiers: ClinVar variation 552865 (VCV000552865.5), dbSNP rs1553409778, ClinGen allele CA658821984.
Genomic context (GRCh38, chr2:73,490,746, plus strand): 5'-ACATCAGGATTATGTAGCTCCAGACCTTCCTTCTTGCATTTTTCTTGAACAACGAGAACT[C>CT]TTTGAACAGTGCAAAGCCCCATATGTAGATCATCAAATGAGAGAAAACCATTCTCCCCTT-3'

ClinVar aggregate classification (germline): Pathogenic. Review status: criteria provided, single submitter (1 of 4 stars). 3 submissions from 3 submitters: Pathogenic (1). 2 of the submissions do not count toward it. Last evaluated 2024-02-04.

Conditions:
Alstrom syndrome (ALMS). Identifiers: Orphanet 64, MedGen C0268425, MONDO:0008763, OMIM 203800.

Submissions (3):

Labcorp Genetics (formerly Invitae), Labcorp
Classification: Pathogenic for Alstrom syndrome. Last evaluated: 2024-02-04. Review status: criteria provided, single submitter. Criteria: Invitae Variant Classification Sherloc (09022015). Collection method: clinical testing. Allele origin: germline.
Comment: This sequence change creates a premature translational stop signal (p.Glu2932*) in the ALMS1 gene. It is expected to result in an absent or disrupted protein product. Loss-of-function variants in ALMS1 are known to be pathogenic (PMID: 17594715). This variant is not present in population databases (gnomAD no frequency). This variant has not been reported in the literature in individuals affected with ALMS1-related conditions. ClinVar contains an entry for this variant (Variation ID: 552865). For these reasons, this variant has been classified as Pathogenic.

Gharavi Laboratory, Columbia University
Classification: Uncertain significance. Last evaluated: 2018-09-16. Review status: no assertion criteria provided. Criteria: ACMG Guidelines, 2015. Collection method: research. Allele origin: germline. Affected: yes. Not counted in ClinVar's aggregate classification.

Counsyl
Classification: Likely pathogenic for Alstrom syndrome. Last evaluated: 2017-07-12. Review status: no assertion criteria provided. Collection method: clinical testing. Allele origin: unknown. Not counted in ClinVar's aggregate classification.

Literature cited by the submitters: PubMed 17594715 (cited by Labcorp Genetics (formerly Invitae), Labcorp).